The following is an entry in ClinVar:

ClinVar aggregate classification (germline): Pathogenic (1 of 4 stars; one submission).

Conditions:
Seizures, benign familial infantile, 3 (BFIS3). Also called: Familial neonatal seizures; CONVULSIONS, BENIGN FAMILIAL INFANTILE, 3. Identifiers: Orphanet 140927, Orphanet 306, MedGen C1843140, MONDO:0011904, OMIM 607745.
Developmental and epileptic encephalopathy, 11 (DEE11). Also called: Early infantile epileptic encephalopathy 11. Identifiers: Orphanet 1934, MedGen C3150987, MONDO:0013388, OMIM 613721.

Submission:

Labcorp Genetics (formerly Invitae), Labcorp
Classification: Pathogenic for Seizures, benign familial infantile, 3; Developmental and epileptic encephalopathy, 11. Last evaluated: 2023-01-12. Review status: criteria provided, single submitter. Criteria: Invitae Variant Classification Sherloc (09022015). Collection method: clinical testing. Allele origin: germline.
Comment: For these reasons, this variant has been classified as Pathogenic. Algorithms developed to predict the effect of sequence changes on RNA splicing suggest that this variant may disrupt the consensus splice site. Advanced modeling of protein sequence and biophysical properties (such as structural, functional, and spatial information, amino acid conservation, physicochemical variation, residue mobility, and thermodynamic stability) performed at Invitae indicates that this missense variant is not expected to disrupt SCN2A protein function. This missense change has been observed in individual(s) with autism spectrum disorder and/or epileptic encephalopathy (PMID: 26633542; Invitae). In at least one individual the variant was observed to be de novo. This variant is not present in population databases (gnomAD no frequency). This sequence change replaces aspartic acid, which is acidic and polar, with glycine, which is neutral and non-polar, at codon 284 of the SCN2A protein (p.Asp284Gly).

Literature cited by the submitters: PubMed 26633542.

NM_001040142.2(SCN2A):c.851A>G (p.Asp284Gly)

Gene: SCN2A (sodium voltage-gated channel alpha subunit 2; plus strand). Cytogenetic location: 2q24.3.
Variant type: single nucleotide variant.
Coding change: c.851A>G on transcript NM_001040142.2 (MANE Select); coding-DNA position 851, A replaced by G.
Protein change: p.Asp284Gly; replaces aspartic acid 284 with glycine.
Molecular consequence: missense variant.
Genome position (GRCh38, 1-based): chr2:165,310,476, A>G. VCF-style: chr2-165310476-A-G. GRCh37 (hg19) VCF-style: chr2-166166986-A-G.
Other names: c.851A>G, p.Asp284Gly (NM_001040143.2, NM_001371246.1, NM_001371247.1 and 1 more transcripts); short protein forms D284G.
Identifiers: ClinVar variation 2203161 (VCV002203161.4), dbSNP rs1553568004, ClinGen allele CA318086.